The following is an entry in ClinVar:

ClinVar aggregate classification (germline): Uncertain significance (1 of 4 stars; one submission).

Submission:

Labcorp Genetics (formerly Invitae), Labcorp
Classification: Uncertain significance. Last evaluated: 2024-07-30. Review status: criteria provided, single submitter. Criteria: Invitae Variant Classification Sherloc (09022015). Collection method: clinical testing. Allele origin: germline.
Comment: This sequence change replaces arginine, which is basic and polar, with glycine, which is neutral and non-polar, at codon 566 of the FZD5 protein (p.Arg566Gly). This variant is not present in population databases (gnomAD no frequency). This variant has not been reported in the literature in individuals affected with FZD5-related conditions. An algorithm developed to predict the effect of missense changes on protein structure and function (PolyPhen-2) suggests that this variant is likely to be disruptive. In summary, the available evidence is currently insufficient to determine the role of this variant in disease. Therefore, it has been classified as a Variant of Uncertain Significance.

NM_003468.4(FZD5):c.1696A>G (p.Arg566Gly)

Gene: FZD5 (frizzled class receptor 5; minus strand). Cytogenetic location: 2q33.3.
Variant type: single nucleotide variant.
Coding change: c.1696A>G on transcript NM_003468.4 (MANE Select); coding-DNA position 1696, A replaced by G.
Protein change: p.Arg566Gly; replaces arginine 566 with glycine.
Molecular consequence: missense variant.
Genome position (GRCh38, 1-based): chr2:207,767,044, T>C on the plus strand (A>G on the coding strand, the complement: FZD5 is on the minus strand). VCF-style: chr2-207767044-T-C. GRCh37 (hg19) VCF-style: chr2-208631768-T-C.
Other names: short protein forms R566G.
Identifiers: ClinVar variation 3610198 (VCV003610198.2).